The following is an entry in ClinVar:

ClinVar aggregate classification (germline): Uncertain significance (1 of 4 stars; one submission).

gnomAD v4.1: 1 of 1,211,478 alleles (0.000083%); highest among the groups gnomAD compares: Non-Finnish European, 0.00011%; no homozygotes.

Submission:

GeneDx
Classification: Uncertain significance. Last evaluated: 2024-05-08. Review status: criteria provided, single submitter. Criteria: GeneDx Variant Classification Process June 2021. Collection method: clinical testing. Allele origin: germline. Affected: yes.
Comment: Not observed at significant frequency in large population cohorts (gnomAD); In silico analysis supports that this missense variant has a deleterious effect on protein structure/function; Has not been previously published as pathogenic or benign to our knowledge

NM_001123385.2(BCOR):c.4606G>A (p.Asp1536Asn)

Gene: BCOR (BCL6 corepressor; minus strand). Cytogenetic location: Xp11.4.
Variant type: single nucleotide variant.
Coding change: c.4606G>A on transcript NM_001123385.2 (MANE Select); coding-DNA position 4606, G replaced by A.
Protein change: p.Asp1536Asn; replaces aspartic acid 1536 with asparagine.
Molecular consequence: missense variant.
Genome position (GRCh38, 1-based): chrX:40,055,503, C>T on the plus strand (G>A on the coding strand, the complement: BCOR is on the minus strand). VCF-style: chrX-40055503-C-T. GRCh37 (hg19) VCF-style: chrX-39914756-C-T.
Other names: c.4504G>A, p.Asp1502Asn (NM_001123383.2, NM_017745.6); c.4450G>A, p.Asp1484Asn (NM_001123384.2); short protein forms D1484N, D1502N, D1536N.
Identifiers: ClinVar variation 3375969 (VCV003375969.1).